The following is an entry in ClinVar:

NM_001374828.1(ARID1B):c.5912C>T (p.Pro1971Leu)

Gene: ARID1B (AT-rich interaction domain 1B; plus strand). Cytogenetic location: 6q25.3.
Variant type: single nucleotide variant.
Coding change: c.5912C>T on transcript NM_001374828.1 (MANE Select); coding-DNA position 5912, C replaced by T.
Protein change: p.Pro1971Leu; replaces proline 1971 with leucine.
Molecular consequence: missense variant.
Genome position (GRCh38, 1-based): chr6:157,206,684, C>T. VCF-style: chr6-157206684-C-T. GRCh37 (hg19) VCF-style: chr6-157527818-C-T.
Other names: c.3413C>T, p.Pro1138Leu (NM_001363725.2); c.5792C>T, p.Pro1931Leu (NM_001371656.1, NM_001374820.1); c.5753C>T, p.Pro1918Leu (NM_017519.3); c.5543C>T (NM_020732.3); short protein forms P1138L, P1918L, P1931L, P1971L.
Identifiers: ClinVar variation 1030721 (VCV001030721.6), dbSNP rs962264300, ClinGen allele CA150378481.

ClinVar aggregate classification (germline): Conflicting classifications of pathogenicity. Review status: criteria provided, conflicting classifications (1 of 4 stars). 3 submissions from 3 submitters: Uncertain significance (1); Benign (1); Likely benign (1). Last evaluated 2024-08-19.

Conditions:
Coffin-Siris syndrome 1 (CSS1). Also called: ARID1B-Related Coffin-Siris Syndrome; Mental retardation, autosomal dominant 12. Identifiers: Orphanet 1465, MedGen C3281201, MONDO:0007617, OMIM 135900. Disease mechanism: gain of function.
Inborn genetic diseases. Identifiers: MedGen C0950123, MeSH D030342.

Allele frequency attached by ClinVar (database versions not stated): gnomAD exomes 0.00001 and 0.00002; TOPMed 0.00001; gnomAD 0.00002.
gnomAD v4.1: 30 of 1,612,794 alleles (0.0019%); highest among the groups gnomAD compares: Non-Finnish European, 0.0024%; no homozygotes.

Submissions (3):

Ambry Genetics
Classification: Likely benign for Inborn genetic diseases. Last evaluated: 2024-08-19. Review status: criteria provided, single submitter. Criteria: Ambry Variant Classification Scheme 2023. Collection method: clinical testing. Allele origin: germline.

Labcorp Genetics (formerly Invitae), Labcorp
Classification: Benign. Last evaluated: 2023-05-15. Review status: criteria provided, single submitter. Criteria: Invitae Variant Classification Sherloc (09022015). Collection method: clinical testing. Allele origin: germline.

Baylor Genetics
Classification: Uncertain significance for Coffin-Siris syndrome 1. Last evaluated: 2020-11-16. Review status: criteria provided, single submitter. Criteria: ACMG Guidelines, 2015. Collection method: clinical testing. Allele origin: paternal. Affected: yes.
Comment: This variant was determined to be of uncertain significance according to ACMG Guidelines, 2015 [PMID:25741868].